The following is an entry in ClinVar:

NM_000781.3(CYP11A1):c.625+2dup

Gene: CYP11A1 (cytochrome P450 family 11 subfamily A member 1; minus strand). Cytogenetic location: 15q24.1.
Variant type: Duplication.
Coding change: c.625+2dup on transcript NM_000781.3 (MANE Select); the canonical splice donor site of the intron after coding-DNA position 625, one base duplicated (T; older notation c.625+2dupT).
Molecular consequence: splice donor variant.
Genome position (GRCh38, 1-based): chr15:74,345,042, A duplicated on the plus strand (T on the coding strand, the reverse complement: CYP11A1 is on the minus strand). VCF-style (leftmost placement, unchanged base first): chr15-74345041-T-TA. GRCh37 (hg19) VCF-style: chr15-74637382-T-TA.
Other names: c.151+2dup (NM_001099773.2); c.625+2dupT (NM_000781.3).
Identifiers: ClinVar variation 17521 (VCV000017521.5), dbSNP rs2060625814, ClinGen allele CA2187642152.
Genomic context (GRCh38, chr15:74,345,041, plus strand): 5'-GAGAGTGAACACTGAGTCCTCCCACCCCCATGCCCACTGCCAGCCAGGTGCAAGCCCCCT[T>TA]ACACTCAAAGGCAAAGCGGAACAGGTCATCACTGATGTCCCCCGAGTAATTTCCGGAGCC-3'

ClinVar aggregate classification (germline): Likely pathogenic. Review status: criteria provided, multiple submitters, no conflicts (2 of 4 stars). 3 submissions from 3 submitters: Likely pathogenic (2). 1 of the submissions does not count toward it. Last evaluated 2025-07-23.

Conditions:
Congenital adrenal hyperplasia. Identifiers: Orphanet 418, MedGen C0001627, MONDO:0018479, HP:0008258.
Congenital adrenal insufficiency with 46, XY sex reversal OR 46,XY disorder of sex development-adrenal insufficiency due to CYP11A1 deficiency. Also called: Congenital adrenal insuffiency with 46, XY sex reversal OR 46,XY disorder of sex development-adrenal insufficiency due to CYP11A1 deficiency; P450scc DEFICIENCY. Identifiers: Orphanet 168558, MedGen C3151055, MONDO:0013400, OMIM 613743.

Submissions (3):

Women's Health and Genetics/Laboratory Corporation of America, LabCorp
Classification: Likely pathogenic for Congenital adrenal hyperplasia. Last evaluated: 2025-07-23. Review status: criteria provided, single submitter. Criteria: LabCorp Variant Classification Summary - May 2015. Collection method: clinical testing. Allele origin: germline.
Comment: Variant summary: CYP11A1 c.625+2dupT alters a conserved nucleotide located close to a canonical splice site and therefore could affect mRNA splicing, leading to a significantly altered protein sequence. Several computational tools predict a significant impact on normal splicing: Four predict the variant abolishes a 5' splicing donor site. At least one publication reports experimental evidence that this variant affects mRNA splicing, leading to loss of protein expression (Kim_2008). The variant was absent in 251080 control chromosomes. c.625+2dupT has been observed in individual(s) affected with Congenital Adrenal Hyperplasia (Kim_2008, Arboleda_2013). The following publications have been ascertained in the context of this evaluation (PMID: 22435390, 18182448). ClinVar contains an entry for this variant (Variation ID: 17521). Based on the evidence outlined above, the variant was classified as likely pathogenic.

Labcorp Genetics (formerly Invitae), Labcorp
Classification: Likely pathogenic. Last evaluated: 2023-06-05. Review status: criteria provided, single submitter. Criteria: Invitae Variant Classification Sherloc (09022015). Collection method: clinical testing. Allele origin: germline.
Comment: This sequence change falls in intron 3 of the CYP11A1 gene. It does not directly change the encoded amino acid sequence of the CYP11A1 protein. It affects a nucleotide within the consensus splice site. In summary, the currently available evidence indicates that the variant is pathogenic, but additional data are needed to prove that conclusively. Therefore, this variant has been classified as Likely Pathogenic. Variants that disrupt the consensus splice site are a relatively common cause of aberrant splicing (PMID: 17576681, 9536098). Studies have shown that this variant alters mRNA splicing and is expected to lead to the loss of protein expression (PMID: 18182448). ClinVar contains an entry for this variant (Variation ID: 17521). This variant is also known as IVS3(2-3)insT. This variant has been observed in individual(s) with adrenal insufficiency (PMID: 18182448). In at least one individual the data is consistent with being in trans (on the opposite chromosome) from a pathogenic variant. This variant is not present in population databases (gnomAD no frequency).

OMIM
Classification: Pathogenic for ADRENAL INSUFFICIENCY, CONGENITAL, WITH 46,XY SEX REVERSAL, PARTIAL OR COMPLETE. Last evaluated: 2008-03-01. Review status: no assertion criteria provided. Collection method: literature only. Allele origin: germline. Not counted in ClinVar's aggregate classification.

Literature cited by the submitters: PubMed 22435390 (cited by Women's Health and Genetics/Laboratory Corporation of America, LabCorp); PubMed 18182448 (cited by 3 submitters); PubMed 17576681 (cited by Labcorp Genetics (formerly Invitae), Labcorp); PubMed 9536098 (cited by Labcorp Genetics (formerly Invitae), Labcorp).